The following is an entry in ClinVar:

NM_080473.5(GATA5):c.667A>G (p.Asn223Asp)

Gene: GATA5 (GATA binding protein 5; minus strand). Cytogenetic location: 20q13.33.
Variant type: single nucleotide variant.
Coding change: c.667A>G on transcript NM_080473.5 (MANE Select); coding-DNA position 667, A replaced by G.
Protein change: p.Asn223Asp; replaces asparagine 223 with aspartic acid.
Molecular consequence: missense variant.
Genome position (GRCh38, 1-based): chr20:62,473,435, T>C on the plus strand (A>G on the coding strand, the complement: GATA5 is on the minus strand). VCF-style: chr20-62473435-T-C. GRCh37 (hg19) VCF-style: chr20-61048491-T-C.
Other names: short protein forms N223D.
Identifiers: ClinVar variation 1915778 (VCV001915778.5), dbSNP rs2516444479, ClinGen allele CA409554816.
Genomic context (GRCh38, chr20:62,473,435, plus strand): 5'-GGCGCCCCTCTGCCCAGCCCGAACTCACCAGGCGCTTCTGAGGCCGAACGAGCGGCCGGT[T>C]GACGCCATTCATCTTGTGGTAGAGGCCGCAGGCATTGCACAGGTAGTGGCCGGTGCCGTC-3'
Protein context (NP_536721.1, residues 213-233): CGLYHKMNGV[Asn223Asp]RPLVRPQKRL

ClinVar aggregate classification (germline): Uncertain significance (1 of 4 stars; one submission).

Submission:

Labcorp Genetics (formerly Invitae), Labcorp
Classification: Uncertain significance. Last evaluated: 2022-11-20. Review status: criteria provided, single submitter. Criteria: Invitae Variant Classification Sherloc (09022015). Collection method: clinical testing. Allele origin: germline.
Comment: This variant is not present in population databases (gnomAD no frequency). This sequence change replaces asparagine, which is neutral and polar, with aspartic acid, which is acidic and polar, at codon 223 of the GATA5 protein (p.Asn223Asp). This variant has not been reported in the literature in individuals affected with GATA5-related conditions. In summary, the available evidence is currently insufficient to determine the role of this variant in disease. Therefore, it has been classified as a Variant of Uncertain Significance. Advanced modeling of protein sequence and biophysical properties (such as structural, functional, and spatial information, amino acid conservation, physicochemical variation, residue mobility, and thermodynamic stability) performed at Invitae indicates that this missense variant is expected to disrupt GATA5 protein function.